The following is an entry in ClinVar:

ClinVar aggregate classification (germline): Uncertain significance (1 of 4 stars; one submission).

Conditions:
Cardiovascular phenotype. Identifiers: MedGen CN230736.

Submission:

Ambry Genetics
Classification: Uncertain significance for Cardiovascular phenotype. Last evaluated: 2025-02-22. Review status: criteria provided, single submitter. Criteria: Ambry Variant Classification Scheme 2023. Collection method: clinical testing. Allele origin: germline.
Comment: The p.G409R variant (also known as c.1225G>C), located in coding exon 14 of the TXNRD2 gene, results from a G to C substitution at nucleotide position 1225. The glycine at codon 409 is replaced by arginine, an amino acid with dissimilar properties. This amino acid position is conserved. In addition, this alteration is predicted to be deleterious by in silico analysis. Based on the available evidence, the clinical significance of this variant remains unclear.

NM_006440.5(TXNRD2):c.1225G>C (p.Gly409Arg)

Gene: TXNRD2 (thioredoxin reductase 2; minus strand). Cytogenetic location: 22q11.21.
Variant type: single nucleotide variant.
Coding change: c.1225G>C on transcript NM_006440.5 (MANE Select); coding-DNA position 1225, G replaced by C.
Protein change: p.Gly409Arg; replaces glycine 409 with arginine.
Molecular consequence: missense variant. On other transcripts: non-coding transcript variant (1).
Genome position (GRCh38, 1-based): chr22:19,880,229, C>G on the plus strand (G>C on the coding strand, the complement: TXNRD2 is on the minus strand). VCF-style: chr22-19880229-C-G. GRCh37 (hg19) VCF-style: chr22-19867752-C-G.
Other names: c.1222G>C, p.Gly408Arg (NM_001352300.2); c.1135G>C, p.Gly379Arg (NM_001352301.2); c.937G>C, p.Gly313Arg (NM_001352302.2); short protein forms G313R, G379R, G408R, G409R.
Identifiers: ClinVar variation 3812626 (VCV003812626.1).